The following is an entry in ClinVar:

ClinVar aggregate classification (germline): Pathogenic. Review status: reviewed by expert panel (3 of 4 stars). 2 submissions from 2 submitters: Pathogenic (1). 1 of the submissions does not count toward it. Last evaluated 2016-09-08.

Conditions:
Breast-ovarian cancer, familial, susceptibility to, 2 (BROVCA2). Also called: BRCA2 Hereditary Breast and Ovarian Cancer. Identifiers: Orphanet 145, MedGen C2675520, MONDO:0012933, OMIM 612555. Disease mechanism: loss of function.

Submissions (2):

Evidence-based Network for the Interpretation of Germline Mutant Alleles (ENIGMA)
Classification: Pathogenic for Breast-ovarian cancer, familial, susceptibility to, 2. Last evaluated: 2016-09-08. Review status: reviewed by expert panel. Criteria: ENIGMA BRCA1/2 Classification Criteria (2015). Collection method: curation. Allele origin: germline.
Comment: Variant allele predicted to encode a truncated non-functional protein.

Breast Cancer Information Core (BIC) (BRCA2)
Classification: Pathogenic for Breast-ovarian cancer, familial 2. Last evaluated: 1998-11-30. Review status: no assertion criteria provided. Collection method: clinical testing. Allele origin: germline. Affected: yes. Observed: 1 variant allele. Not counted in ClinVar's aggregate classification.

NM_000059.4(BRCA2):c.5344_5345del (p.Gln1782fs)

Gene: BRCA2 (BRCA2 DNA repair associated; plus strand). Cytogenetic location: 13q13.1.
Variant type: Deletion.
Coding change: c.5344_5345del on transcript NM_000059.4 (MANE Select); coding-DNA positions 5344 to 5345, 2 bases deleted (CA; older notation c.5344_5345delCA).
Protein change: p.Gln1782fs; shifts the reading frame from glutamine 1782.
Molecular consequence: frameshift variant.
Genome position (GRCh38, 1-based): chr13:32,339,699-32,339,700, CA deleted. VCF-style (leftmost placement, unchanged base first): chr13-32339698-TCA-T. GRCh37 (hg19) VCF-style: chr13-32913835-TCA-T.
Other names: 5572delCA; c.5344_5345delCA (NM_000059.3); short protein forms Q1782fs.
Identifiers: ClinVar variation 51843 (VCV000051843.2), dbSNP rs80359506, ClinGen allele CA022055.
Genomic context (GRCh38, chr13:32,339,698, plus strand): 5'-ATATCTCTCAAAAAATAAACTTGATTCTGGTATTGAGCCAGTATTGAAGAATGTTGAAGA[TCA>T]AAAAAACACTAGTTTTTCCAAAGTAATATCCAATGTAAAAGATGCAAATGCATACCCACA-3'